The following is an entry in ClinVar:

NM_004369.4(COL6A3):c.7755T>C (p.His2585=)

Gene: COL6A3 (collagen type VI alpha 3 chain; minus strand). Cytogenetic location: 2q37.3.
Variant type: single nucleotide variant.
Coding change: c.7755T>C on transcript NM_004369.4 (MANE Select); coding-DNA position 7755, T replaced by C.
Protein change: p.His2585=; no amino-acid change (histidine 2585 retained).
Molecular consequence: synonymous variant.
Genome position (GRCh38, 1-based): chr2:237,342,075, A>G on the plus strand (T>C on the coding strand, the complement: COL6A3 is on the minus strand). VCF-style: chr2-237342075-A-G. GRCh37 (hg19) VCF-style: chr2-238250718-A-G.
Other names: c.5934T>C, p.His1978= (NM_057166.5); c.7137T>C, p.His2379= (NM_057167.4).
Identifiers: ClinVar variation 335104 (VCV000335104.20), dbSNP rs145581705, ClinGen allele CA2187714.
Genomic context (GRCh38, chr2:237,342,075, plus strand): 5'-TGTTTTGCAATTGCAGCTGAGCAGATCTTCCTGTTAGAGAAACAGCTTACCCAAGCAAAC[A>G]TGACACGTGAGGACATTCTCCAGGAAGTCTGTGAGGTCTCTCCCTGCAGGCAGGACAAGC-3'
Protein context (NP_004360.2, residues 2575-2595): TDFLENVLTC[His2585=]VCLDICNIDP

ClinVar aggregate classification (germline): Conflicting classifications of pathogenicity. Review status: criteria provided, conflicting classifications (1 of 4 stars). 5 submissions from 5 submitters: Uncertain significance (1); Benign (1); Likely benign (3). Last evaluated 2026-01-15.

Conditions:
Bethlem myopathy 1A. Also called: MYOPATHY, BENIGN CONGENITAL, WITH CONTRACTURES; Bethlem myopathy 1; Bethlem Muscular Dystrophy. Identifiers: Orphanet 610, MedGen CN029274, MONDO:0024530, OMIM 158810.
Collagen 6-related myopathy. Identifiers: MedGen CN117976, MONDO:0100225.

Allele frequency attached by ClinVar (database versions not stated): gnomAD exomes 0.00003 and 0.00022; gnomAD 0.00006 and 0.00007; TOPMed 0.00014; ExAC 0.00016; 1000 Genomes Project 0.00040; 1000 Genomes Project 30x 0.00047.
gnomAD v4.1: 72 of 1,614,192 alleles (0.0045%); highest among the groups gnomAD compares: East Asian, 0.11%; no homozygotes.

Submissions (5):

Labcorp Genetics (formerly Invitae), Labcorp
Classification: Likely benign for Bethlem myopathy 1A. Last evaluated: 2026-01-15. Review status: criteria provided, single submitter. Criteria: Invitae Variant Classification Sherloc (09022015). Collection method: clinical testing. Allele origin: germline.

Blueprint Genetics
Classification: Likely benign. Last evaluated: 2023-10-26. Review status: criteria provided, single submitter. Criteria: ACMG Guidelines, 2015. Collection method: clinical testing. Allele origin: germline.

Illumina Laboratory Services, Illumina
Classification: Benign for Collagen VI-related myopathy. Last evaluated: 2018-01-13. Review status: criteria provided, single submitter. Criteria: ICSL Variant Classification Criteria 13 December 2019. Collection method: clinical testing. Allele origin: germline.
Comment: This variant was observed in the ICSL laboratory as part of a predisposition screen in an ostensibly healthy population. It had not been previously curated by ICSL or reported in the Human Gene Mutation Database (HGMD: prior to June 1st, 2018), and was therefore a candidate for classification through an automated scoring system. Utilizing variant allele frequency, disease prevalence and penetrance estimates, and inheritance mode, an automated score was calculated to assess if this variant is too frequent to cause the disease. Based on the score and internal cut-off values, a variant classified as benign is not then subjected to further curation. The score for this variant resulted in a classification of benign for this disease.

GeneDx
Classification: Likely benign. Last evaluated: 2017-07-28. Review status: criteria provided, single submitter. Criteria: GeneDx Variant Classification (06012015). Collection method: clinical testing. Allele origin: germline. Affected: yes.
Comment: This variant is considered likely benign or benign based on one or more of the following criteria: it is a conservative change, it occurs at a poorly conserved position in the protein, it is predicted to be benign by multiple in silico algorithms, and/or has population frequency not consistent with disease.

Eurofins Ntd Llc (ga)
Classification: Uncertain significance. Last evaluated: 2017-01-18. Review status: criteria provided, single submitter. Criteria: EGL Classification Definitions 2015. Collection method: clinical testing. Allele origin: germline. Observed: 1 variant allele, 1 heterozygote.